The following is an entry in ClinVar:

ClinVar aggregate classification (germline): Uncertain significance. Review status: criteria provided, single submitter (1 of 4 stars). 2 submissions from 2 submitters: Uncertain significance (1). 1 of the submissions does not count toward it. Last evaluated 2026-01-26.

Conditions:
Propionic acidemia (PROP). Also called: GLYCINEMIA, KETOTIC; HYPERGLYCINEMIA WITH KETOACIDOSIS AND LEUKOPENIA; KETOTIC HYPERGLYCINEMIA. Identifiers: Orphanet 35, MedGen C0268579, MONDO:0011628, OMIM 606054, HP:0003571.

Allele frequency attached by ClinVar (database versions not stated): gnomAD exomes below 0.00001 and 0.00001.
gnomAD v4.1: 4 of 1,613,626 alleles (0.00025%); highest among the groups gnomAD compares: Non-Finnish European, 0.00034%; no homozygotes.

Submissions (2):

Myriad Genetics, Inc.
Classification: Uncertain significance for Propionic acidemia. Last evaluated: 2026-01-26. Review status: criteria provided, single submitter. Criteria: Myriad Autosomal Dominant, Autosomal Recessive and X-Linked Classification Criteria (2023). Collection method: clinical testing. Allele origin: unknown.
Comment: NM_000532.4(PCCB):c.410A>G(H137R) is a missense variant classified as a variant of uncertain significance in the context of PCCB-related propionic acidemia. H137R has been observed in a case with relevant disease (PMID: 35331292). Relevant functional assessments of this variant are not available in the literature. H137R has been observed in referenced population frequency databases. In summary, there is insufficient evidence to classify NM_000532.4(PCCB):c.410A>G(H137R) as pathogenic or benign. Please note: this variant was assessed in the context of healthy population screening.

Laboratory of Metabolic Disorders, Peking University First Hospital
Classification: Likely pathogenic for Propionic acidemia. Last evaluated: 2019-05-08. Review status: no assertion criteria provided. Collection method: clinical testing. Allele origin: inherited. Affected: yes. Not counted in ClinVar's aggregate classification.

Literature cited by the submitters: PubMed 35331292 (cited by Myriad Genetics, Inc.).

NM_000532.5(PCCB):c.410A>G (p.His137Arg)

Gene: PCCB (propionyl-CoA carboxylase subunit beta; plus strand). Cytogenetic location: 3q22.3.
Variant type: single nucleotide variant.
Coding change: c.410A>G on transcript NM_000532.5 (MANE Select); coding-DNA position 410, A replaced by G.
Protein change: p.His137Arg; replaces histidine 137 with arginine.
Molecular consequence: missense variant.
Genome position (GRCh38, 1-based): chr3:136,260,516, A>G. VCF-style: chr3-136260516-A-G. GRCh37 (hg19) VCF-style: chr3-135979358-A-G.
Other names: c.470A>G, p.His157Arg (NM_001178014.2); short protein forms H137R, H157R.
Identifiers: ClinVar variation 638035 (VCV000638035.2), dbSNP rs1391142709, ClinGen allele CA354739354.